The following is an entry in ClinVar:

ClinVar aggregate classification (germline): Uncertain significance (1 of 4 stars; one submission).

Conditions:
Autosomal recessive spastic paraplegia type 78. Identifiers: Orphanet 513436, MedGen C5567893, MONDO:0014975, OMIM 617225.
Kufor-Rakeb syndrome (KRS). Also called: PARKINSON DISEASE 9, AUTOSOMAL RECESSIVE, JUVENILE-ONSET. Identifiers: Orphanet 306674, Orphanet 314632, MedGen C1847640, MONDO:0011706, OMIM 606693.

Allele frequency attached by ClinVar (database versions not stated): TOPMed 0.00001.
gnomAD v4.1: 7 of 1,607,790 alleles (0.00044%); highest among the groups gnomAD compares: East Asian, 0.0067%; no homozygotes.

Submission:

Labcorp Genetics (formerly Invitae), Labcorp
Classification: Uncertain significance for Kufor-Rakeb syndrome; Autosomal recessive spastic paraplegia type 78. Last evaluated: 2022-08-22. Review status: criteria provided, single submitter. Criteria: Invitae Variant Classification Sherloc (09022015). Collection method: clinical testing. Allele origin: germline.
Comment: This sequence change replaces glutamic acid, which is acidic and polar, with lysine, which is basic and polar, at codon 1168 of the ATP13A2 protein (p.Glu1168Lys). The frequency data for this variant in the population databases is considered unreliable, as metrics indicate poor data quality at this position in the gnomAD database. This variant has not been reported in the literature in individuals affected with ATP13A2-related conditions. Advanced modeling of protein sequence and biophysical properties (such as structural, functional, and spatial information, amino acid conservation, physicochemical variation, residue mobility, and thermodynamic stability) performed at Invitae indicates that this missense variant is not expected to disrupt ATP13A2 protein function. In summary, the available evidence is currently insufficient to determine the role of this variant in disease. Therefore, it has been classified as a Variant of Uncertain Significance.

NM_022089.4(ATP13A2):c.3502G>A (p.Glu1168Lys)

Gene: ATP13A2 (ATPase cation transporting 13A2; minus strand). Cytogenetic location: 1p36.13.
Variant type: single nucleotide variant.
Coding change: c.3502G>A on transcript NM_022089.4 (MANE Select); coding-DNA position 3502, G replaced by A.
Protein change: p.Glu1168Lys; replaces glutamic acid 1168 with lysine.
Molecular consequence: missense variant.
Genome position (GRCh38, 1-based): chr1:16,986,262, C>T on the plus strand (G>A on the coding strand, the complement: ATP13A2 is on the minus strand). VCF-style: chr1-16986262-C-T. GRCh37 (hg19) VCF-style: chr1-17312757-C-T.
Other names: c.3487G>A, p.Glu1163Lys (NM_001141973.3); c.3200G>A, p.Arg1067Gln (NM_001141974.3); short protein forms R1067Q, E1163K, E1168K.
Identifiers: ClinVar variation 2059877 (VCV002059877.1), dbSNP rs1373598537, ClinGen allele CA338232165.
Genomic context (GRCh38, chr1:16,986,262, plus strand): 5'-GGGTGCCCGTGGGCCTGCACTACCTCAGGGGGCCGGCGGGCAGCGGCGGCCAGGGCTGCT[C>T]GGCCAGCTCTCGTTCCAGCTGCTTGAAGCGCTTCTTGGAGGCCCGCTTGGGCCGGAGGCG-3'
Protein context (NP_071372.1, residues 1158-1178): RFKQLERELA[Glu1168Lys]QPWPPLPAGP